The following is an entry in ClinVar:

ClinVar aggregate classification (germline): Uncertain significance (1 of 4 stars; one submission).

Conditions:
Diamond-Blackfan anemia. Also called: Blackfan Diamond syndrome; Aregenerative anemia chronic congenital; Red cell aplasia, pure hereditary; Congenital hypoplastic anemia; Aase syndrome. Identifiers: Orphanet 124, MedGen C1260899, MeSH D029503, MONDO:0015253, HP:0004810.

Allele frequency attached by ClinVar (database versions not stated): gnomAD 0.00001.

Submission:

Labcorp Genetics (formerly Invitae), Labcorp
Classification: Uncertain significance for Diamond-Blackfan anemia. Last evaluated: 2024-07-12. Review status: criteria provided, single submitter. Criteria: Invitae Variant Classification Sherloc (09022015). Collection method: clinical testing. Allele origin: germline.
Comment: This sequence change replaces arginine, which is basic and polar, with proline, which is neutral and non-polar, at codon 126 of the RPL26 protein (p.Arg126Pro). This variant is not present in population databases (gnomAD no frequency). This variant has not been reported in the literature in individuals affected with RPL26-related conditions. ClinVar contains an entry for this variant (Variation ID: 2186789). An algorithm developed to predict the effect of missense changes on protein structure and function (PolyPhen-2) suggests that this variant is likely to be tolerated. In summary, the available evidence is currently insufficient to determine the role of this variant in disease. Therefore, it has been classified as a Variant of Uncertain Significance.

NM_000987.5(RPL26):c.377G>C (p.Arg126Pro)

Gene: RPL26 (ribosomal protein L26; minus strand). Cytogenetic location: 17p13.1.
Variant type: single nucleotide variant.
Coding change: c.377G>C on transcript NM_000987.5 (MANE Select); coding-DNA position 377, G replaced by C.
Protein change: p.Arg126Pro; replaces arginine 126 with proline.
Molecular consequence: missense variant.
Genome position (GRCh38, 1-based): chr17:8,377,625, C>G on the plus strand (G>C on the coding strand, the complement: RPL26 is on the minus strand). VCF-style: chr17-8377625-C-G. GRCh37 (hg19) VCF-style: chr17-8280943-C-G.
Other names: c.377G>C, p.Arg126Pro (NM_001315530.2, NM_001315531.2); short protein forms R126P.
Identifiers: ClinVar variation 2186789 (VCV002186789.4), dbSNP rs932068728, ClinGen allele CA398012559.